The following is an entry in ClinVar:

NM_000719.7(CACNA1C):c.3713T>G (p.Met1238Arg)

Gene: CACNA1C (calcium voltage-gated channel subunit alpha1 C; plus strand). Cytogenetic location: 12p13.33.
Variant type: single nucleotide variant.
Coding change: c.3713T>G on transcript NM_000719.7 (MANE Select); coding-DNA position 3713, T replaced by G.
Protein change: p.Met1238Arg; replaces methionine 1238 with arginine.
Molecular consequence: missense variant.
Genome position (GRCh38, 1-based): chr12:2,610,695, T>G. VCF-style: chr12-2610695-T-G. GRCh37 (hg19) VCF-style: chr12-2719861-T-G.
Other names: c.3773T>G, p.Met1258Arg (NM_001129827.2, NM_001129832.2, NM_199460.4); c.3713T>G, p.Met1238Arg (NM_001129829.2, NM_001129830.3, NM_001129831.2 and 15 more transcripts); c.3704T>G, p.Met1235Arg (NM_001129844.2); short protein forms M1235R, M1238R, M1258R.
Identifiers: ClinVar variation 3343152 (VCV003343152.1).

ClinVar aggregate classification (germline): Uncertain significance (1 of 4 stars; one submission).

Submission:

GeneDx
Classification: Uncertain significance. Last evaluated: 2023-04-21. Review status: criteria provided, single submitter. Criteria: GeneDx Variant Classification Process June 2021. Collection method: clinical testing. Allele origin: germline. Affected: yes.
Comment: Not observed at significant frequency in large population cohorts (gnomAD); In silico analysis supports that this missense variant has a deleterious effect on protein structure/function; Has not been previously published as pathogenic or benign to our knowledge